The following is an entry in ClinVar:

ClinVar aggregate classification (germline): Uncertain significance. Review status: criteria provided, multiple submitters, no conflicts (2 of 4 stars). 2 submissions from 2 submitters: Uncertain significance (2). Last evaluated 2024-09-03.

Conditions:
Pulmonary fibrosis and/or bone marrow failure, Telomere-related, 3. Also called: PULMONARY FIBROSIS AND/OR BONE MARROW FAILURE SYNDROME, TELOMERE-RELATED, 3. Identifiers: Orphanet 2032, MedGen C4225346, MONDO:0014613, OMIM 616373.
Dyskeratosis congenita, autosomal recessive 5 (DKCB5). Identifiers: MedGen C3554656, MONDO:0014076, OMIM 615190.
Inborn genetic diseases. Identifiers: MedGen C0950123, MeSH D030342.

Allele frequency attached by ClinVar (database versions not stated): gnomAD exomes 0.00001.
gnomAD v4.1: 4 of 1,612,548 alleles (0.00025%); highest among the groups gnomAD compares: Admixed American, 0.0033%; no homozygotes.

Submissions (2):

Ambry Genetics
Classification: Uncertain significance for Inborn genetic diseases. Last evaluated: 2024-09-03. Review status: criteria provided, single submitter. Criteria: Ambry Variant Classification Scheme 2023. Collection method: clinical testing. Allele origin: germline.

Labcorp Genetics (formerly Invitae), Labcorp
Classification: Uncertain significance for Dyskeratosis congenita, autosomal recessive 5; Pulmonary fibrosis and/or bone marrow failure, Telomere-related, 3. Last evaluated: 2023-11-18. Review status: criteria provided, single submitter. Criteria: Invitae Variant Classification Sherloc (09022015). Collection method: clinical testing. Allele origin: germline.
Comment: This sequence change replaces cysteine, which is neutral and slightly polar, with phenylalanine, which is neutral and non-polar, at codon 934 of the RTEL1 protein (p.Cys934Phe). This variant is present in population databases (no rsID available, gnomAD 0.003%). This variant has not been reported in the literature in individuals affected with RTEL1-related conditions. ClinVar contains an entry for this variant (Variation ID: 1398104). An algorithm developed to predict the effect of missense changes on protein structure and function (PolyPhen-2) suggests that this variant is likely to be tolerated. In summary, the available evidence is currently insufficient to determine the role of this variant in disease. Therefore, it has been classified as a Variant of Uncertain Significance.

NM_001283009.2(RTEL1):c.2801G>T (p.Cys934Phe)

Genes: RTEL1 (regulator of telomere elongation helicase 1; plus strand), RTEL1-TNFRSF6B (RTEL1-TNFRSF6B readthrough (NMD candidate); plus strand). Cytogenetic location: 20q13.33.
Variant type: single nucleotide variant.
Coding change: c.2801G>T on transcript NM_001283009.2 (MANE Select); coding-DNA position 2801, G replaced by T.
Protein change: p.Cys934Phe; replaces cysteine 934 with phenylalanine.
Molecular consequence: missense variant. On other transcripts: non-coding transcript variant (1).
Genome position (GRCh38, 1-based): chr20:63,692,953, G>T. VCF-style: chr20-63692953-G-T. GRCh37 (hg19) VCF-style: chr20-62324306-G-T.
Other names: c.2873G>T (NM_032957.4); c.2132G>T, p.Cys711Phe (NM_001283010.1); c.2801G>T, p.Cys934Phe (NM_016434.4); c.2873G>T, p.Cys958Phe (NM_032957.5); short protein forms C934F, C958F, C711F.
Identifiers: ClinVar variation 1398104 (VCV001398104.9), dbSNP rs1263651818, ClinGen allele CA409683063.